The following is an entry in ClinVar:

ClinVar aggregate classification (germline): Uncertain significance. Review status: criteria provided, single submitter (1 of 4 stars). 2 submissions from 2 submitters: Uncertain significance (1). 1 of the submissions does not count toward it. Last evaluated 2013-12-03.

Conditions:
Autosomal dominant nonsyndromic hearing loss 20. Identifiers: Orphanet 90635, MedGen C1858172, MONDO:0011480, OMIM 604717.
Baraitser-winter syndrome 2. Identifiers: Orphanet 2995, MedGen C3281235, MONDO:0013812, OMIM 614583.

Submissions (2):

Laboratory for Molecular Medicine, Mass General Brigham Personalized Medicine
Classification: Uncertain significance. Last evaluated: 2013-12-03. Review status: criteria provided, single submitter. Criteria: LMM Criteria. Collection method: clinical testing. Allele origin: germline. Observed: 2 variant alleles.
Comment: The Ala174Gly variant in ACTG1 has not been previously reported in individuals w ith hearing loss or in large population studies. Computational analyses (biochem ical amino acid properties, conservation, AlignGVGD, PolyPhen2, and SIFT) do not provide strong support for or against an impact to the protein. In summary, add itional data is needed to determine the clinical significance of this variant.

Division of Human Genetics, Children's Hospital of Philadelphia
Classification: Uncertain significance for Autosomal dominant nonsyndromic hearing loss 20; Baraitser-winter syndrome 2. Last evaluated: 2016-04-27. Review status: no assertion criteria provided. Collection method: research. Allele origin: germline. Affected: yes. Study: CSER-PediSeq. Not counted in ClinVar's aggregate classification.

NM_001614.5(ACTG1):c.521C>G (p.Ala174Gly)

Gene: ACTG1 (actin gamma 1; minus strand). Cytogenetic location: 17q25.3.
Variant type: single nucleotide variant.
Coding change: c.521C>G on transcript NM_001614.5 (MANE Select); coding-DNA position 521, C replaced by G.
Protein change: p.Ala174Gly; replaces alanine 174 with glycine.
Molecular consequence: missense variant. On other transcripts: non-coding transcript variant (1).
Genome position (GRCh38, 1-based): chr17:81,511,469, G>C on the plus strand (C>G on the coding strand, the complement: ACTG1 is on the minus strand). VCF-style: chr17-81511469-G-C. GRCh37 (hg19) VCF-style: chr17-79478495-G-C.
Other names: c.521C>G, p.Ala174Gly (NM_001199954.3); short protein forms A174G.
Identifiers: ClinVar variation 179428 (VCV000179428.4), dbSNP rs727504862, ClinGen allele CA184405.